The following is an entry in ClinVar:

NM_013266.4(CTNNA3):c.764C>T (p.Ala255Val)

Gene: CTNNA3 (catenin alpha 3; minus strand). Cytogenetic location: 10q21.3.
Variant type: single nucleotide variant.
Coding change: c.764C>T on transcript NM_013266.4 (MANE Select); coding-DNA position 764, C replaced by T.
Protein change: p.Ala255Val; replaces alanine 255 with valine.
Molecular consequence: missense variant.
Genome position (GRCh38, 1-based): chr10:67,219,686, G>A on the plus strand (C>T on the coding strand, the complement: CTNNA3 is on the minus strand). VCF-style: chr10-67219686-G-A. GRCh37 (hg19) VCF-style: chr10-68979444-G-A.
Other names: c.764C>T, p.Ala255Val (NM_001127384.3); c.800C>T, p.Ala267Val (NM_001291133.2); short protein forms A255V, A267V.
Identifiers: ClinVar variation 969285 (VCV000969285.11), dbSNP rs1477830086, ClinGen allele CA377097303.
Genomic context (GRCh38, chr10:67,219,686, plus strand): 5'-CTTCCCAGGGTTGCTGCCTGAGGTTCTGGTGGGGTTGTCATATTCTGGATCCCTTGTGAA[G>A]CATTTGAAATTACATTGAGAGCATTCTGAATTTCTTCACAAACTGTGTCCTTGCTTGCTT-3'
Protein context (NP_037398.2, residues 245-265): IQNALNVISN[Ala255Val]SQGIQNMTTP

ClinVar aggregate classification (germline): Uncertain significance. Review status: criteria provided, multiple submitters, no conflicts (2 of 4 stars). 3 submissions from 3 submitters: Uncertain significance (3). Last evaluated 2025-08-29.

Conditions:
Arrhythmogenic right ventricular dysplasia 13. Also called: ARRHYTHMOGENIC RIGHT VENTRICULAR CARDIOMYOPATHY 13; Arrhythmogenic right ventricular dysplasia, familial, 13. Identifiers: MedGen C3810138, MONDO:0000908, OMIM 615616.

Allele frequency attached by ClinVar (database versions not stated): gnomAD exomes below 0.00001; gnomAD 0.00002; TOPMed 0.00003.
gnomAD v4.1: 10 of 1,613,994 alleles (0.00062%); highest among the groups gnomAD compares: East Asian, 0.0022%; no homozygotes.

Submissions (3):

Labcorp Genetics (formerly Invitae), Labcorp
Classification: Uncertain significance for Arrhythmogenic right ventricular dysplasia 13. Last evaluated: 2025-08-29. Review status: criteria provided, single submitter. Criteria: Invitae Variant Classification Sherloc (09022015). Collection method: clinical testing. Allele origin: germline.
Comment: This sequence change replaces alanine, which is neutral and non-polar, with valine, which is neutral and non-polar, at codon 255 of the CTNNA3 protein (p.Ala255Val). This variant is present in population databases (no rsID available, gnomAD 0.003%). This variant has not been reported in the literature in individuals affected with CTNNA3-related conditions. ClinVar contains an entry for this variant (Variation ID: 969285). Invitae Evidence Modeling of protein sequence and biophysical properties (such as structural, functional, and spatial information, amino acid conservation, physicochemical variation, residue mobility, and thermodynamic stability) indicates that this missense variant is not expected to disrupt CTNNA3 protein function with a negative predictive value of 80%. In summary, the available evidence is currently insufficient to determine the role of this variant in disease. Therefore, it has been classified as a Variant of Uncertain Significance.

Blueprint Genetics
Classification: Uncertain significance. Last evaluated: 2024-10-11. Review status: criteria provided, single submitter. Criteria: ACMG Guidelines, 2015. Collection method: clinical testing. Allele origin: germline.

Ambry Genetics
Classification: Uncertain significance. Last evaluated: 2024-01-22. Review status: criteria provided, single submitter. Criteria: Ambry Variant Classification Scheme 2023. Collection method: clinical testing. Allele origin: germline.